The following is an entry in ClinVar:

NM_144997.7(FLCN):c.1275_1276del (p.Gln425fs)

Gene: FLCN (folliculin; minus strand). Cytogenetic location: 17p11.2.
Variant type: Deletion.
Coding change: c.1275_1276del on transcript NM_144997.7 (MANE Select); coding-DNA positions 1275 to 1276, 2 bases deleted (GA; older notation c.1275_1276delGA).
Protein change: p.Gln425fs; shifts the reading frame from glutamine 425.
Molecular consequence: frameshift variant.
Genome position (GRCh38, 1-based): chr17:17,216,404-17,216,405, TC deleted on the plus strand (GA on the coding strand, the reverse complement: FLCN is on the minus strand); deleting any 2 consecutive bases within chr17:17,216,404-17,216,406 gives the same sequence; the c. name uses the placement nearest the transcript's 3' end. VCF-style (leftmost placement, unchanged base first): chr17-17216403-ATC-A. GRCh37 (hg19) VCF-style: chr17-17119717-ATC-A.
Other names: c.1329_1330del, p.Gln443fs (NM_001353229.2); c.1275_1276del, p.Gln425fs (NM_001353230.2, NM_001353231.2); short protein forms Q443fs, Q425fs.
Identifiers: ClinVar variation 3652240 (VCV003652240.2).

ClinVar aggregate classification (germline): Pathogenic (1 of 4 stars; one submission).

Conditions:
Birt-Hogg-Dube syndrome. Also called: Birt Hogg Dubé syndrome. Identifiers: Orphanet 122, MedGen C0346010, MONDO:0800444.

Submission:

Labcorp Genetics (formerly Invitae), Labcorp
Classification: Pathogenic for Birt-Hogg-Dube syndrome. Last evaluated: 2024-05-05. Review status: criteria provided, single submitter. Criteria: Invitae Variant Classification Sherloc (09022015). Collection method: clinical testing. Allele origin: germline.
Comment: This sequence change creates a premature translational stop signal (p.Gln425Hisfs*30) in the FLCN gene. It is expected to result in an absent or disrupted protein product. Loss-of-function variants in FLCN are known to be pathogenic (PMID: 15852235). This variant is not present in population databases (gnomAD no frequency). This variant has not been reported in the literature in individuals affected with FLCN-related conditions. For these reasons, this variant has been classified as Pathogenic.

Literature cited by the submitters: PubMed 15852235.